The following is an entry in ClinVar:

ClinVar aggregate classification (germline): Uncertain significance (1 of 4 stars; one submission).

Conditions:
Fanconi anemia (FA). Also called: Fanconi's anemia. Identifiers: Orphanet 84, MedGen C0015625, MeSH D005199, MONDO:0019391.

Submission:

Labcorp Genetics (formerly Invitae), Labcorp
Classification: Uncertain significance for Fanconi anemia. Last evaluated: 2022-07-16. Review status: criteria provided, single submitter. Criteria: Invitae Variant Classification Sherloc (09022015). Collection method: clinical testing. Allele origin: germline.
Comment: This variant results in a copy number gain of the genomic region encompassing exon(s) 1-30 of the FANCA gene. This region includes the initiator codon of the gene. This copy number gain extends beyond the assayed region for this gene and therefore may encompass additional genes. As the precise location of this event is unknown, it may be in tandem or it may be located elsewhere in the genome. This variant has not been reported in the literature in individuals affected with FANCA-related conditions. Experimental studies and prediction algorithms are not available or were not evaluated, and the functional significance of this variant is currently unknown. In summary, the available evidence is currently insufficient to determine the role of this variant in disease. Therefore, it has been classified as a Variant of Uncertain Significance.

NC_000016.9:g.(?_89824965)_(89883023_?)dup

Gene: FANCA (FA complementation group A; minus strand). Cytogenetic location: 16q24.3.
Variant type: Duplication.
Identifiers: ClinVar variation 2422434 (VCV002422434.3).